The following is an entry in ClinVar:

ClinVar aggregate classification (germline): Uncertain significance (1 of 4 stars; one submission).

Submission:

Labcorp Genetics (formerly Invitae), Labcorp
Classification: Uncertain significance. Last evaluated: 2022-06-13. Review status: criteria provided, single submitter. Criteria: Invitae Variant Classification Sherloc (09022015). Collection method: clinical testing. Allele origin: germline.
Comment: This sequence change replaces lysine, which is basic and polar, with arginine, which is basic and polar, at codon 539 of the MYO3A protein (p.Lys539Arg). This variant is not present in population databases (gnomAD no frequency). This variant has not been reported in the literature in individuals affected with MYO3A-related conditions. Algorithms developed to predict the effect of missense changes on protein structure and function (SIFT, PolyPhen-2, Align-GVGD) all suggest that this variant is likely to be tolerated. Algorithms developed to predict the effect of sequence changes on RNA splicing suggest that this variant may create or strengthen a splice site. In summary, the available evidence is currently insufficient to determine the role of this variant in disease. Therefore, it has been classified as a Variant of Uncertain Significance.

NM_017433.5(MYO3A):c.1616A>G (p.Lys539Arg)

Gene: MYO3A (myosin IIIA; plus strand). Cytogenetic location: 10p12.1.
Variant type: single nucleotide variant.
Coding change: c.1616A>G on transcript NM_017433.5 (MANE Select); coding-DNA position 1616, A replaced by G.
Protein change: p.Lys539Arg; replaces lysine 539 with arginine.
Molecular consequence: missense variant.
Genome position (GRCh38, 1-based): chr10:26,096,434, A>G. VCF-style: chr10-26096434-A-G. GRCh37 (hg19) VCF-style: chr10-26385363-A-G.
Other names: short protein forms K539R.
Identifiers: ClinVar variation 1437244 (VCV001437244.6), dbSNP rs2131558655, ClinGen allele CA376336678.